The following is an entry in ClinVar:

NM_015001.3(SPEN):c.2750_2753dup (p.Gln918fs)

Gene: SPEN (spen family transcriptional repressor; plus strand). Cytogenetic location: 1p36.13.
Variant type: Duplication.
Coding change: c.2750_2753dup on transcript NM_015001.3 (MANE Select); coding-DNA positions 2750 to 2753, 4 bases duplicated (TTCA; older notation c.2750_2753dupTTCA).
Protein change: p.Gln918fs; shifts the reading frame from glutamine 918.
Molecular consequence: frameshift variant.
Genome position (GRCh38, 1-based): chr1:15,928,990-15,928,993, TTCA duplicated. VCF-style (leftmost placement, unchanged base first): chr1-15928989-C-CTTCA. GRCh37 (hg19) VCF-style: chr1-16255484-C-CTTCA.
Other names: short protein forms Q918fs.
Identifiers: ClinVar variation 4814227 (VCV004814227.1).

ClinVar aggregate classification (germline): Likely pathogenic (1 of 4 stars; one submission).

Conditions:
Radio-Tartaglia syndrome. Identifiers: Orphanet 662234, MedGen C5543339, MONDO:0859143, OMIM 619312.

Submission:

Rady Children's Institute for Genomic Medicine, Rady Children's Hospital San Diego
Classification: Likely pathogenic for Radio-Tartaglia syndrome. Last evaluated: 2025-05-28. Review status: criteria provided, single submitter. Criteria: ACMG Guidelines, 2015. Collection method: clinical testing. Allele origin: germline. Affected: yes.
Comment: This frameshifting variant in exon 11 of 15 is predicted to result in loss of normal protein function through either protein truncation or nonsense-mediated mRNA decay. Loss-of-function variation in SPEN is an established mechanism of disease (PMID: 33596411). This variant has not been previously reported or functionally characterized in the literature to our knowledge. The c.2750_2753dup (p.Gln918HisfsTer12) variant is absent from the latest version of the gnomAD population database and thus is presumed to be rare. Based on the available evidence, c.2750_2753dup (p.Gln918HisfsTer12) is classified as Likely Pathogenic.

Literature cited by the submitters: PubMed 33596411.